The following is an entry in ClinVar:

ClinVar aggregate classification (germline): Uncertain significance. Review status: criteria provided, multiple submitters, no conflicts (2 of 4 stars). 2 submissions from 2 submitters: Uncertain significance (2). Last evaluated 2024-01-23.

Conditions:
Congenital disorder of glycosylation (CDG). Also called: Congenital disorders of glycosylation; Carbohydrate-deficient glycoprotein syndrome. Identifiers: Orphanet 137, MedGen C0282577, MONDO:0015286.

Allele frequency attached by ClinVar (database versions not stated): ExAC 0.00002.
gnomAD v4.1: 24 of 1,614,012 alleles (0.0015%); highest among the groups gnomAD compares: African/African-American, 0.015%; no homozygotes.

Submissions (2):

Ambry Genetics
Classification: Uncertain significance. Last evaluated: 2024-01-23. Review status: criteria provided, single submitter. Criteria: Ambry Variant Classification Scheme 2023. Collection method: clinical testing. Allele origin: germline.

Labcorp Genetics (formerly Invitae), Labcorp
Classification: Uncertain significance for Congenital disorder of glycosylation. Last evaluated: 2022-10-03. Review status: criteria provided, single submitter. Criteria: Invitae Variant Classification Sherloc (09022015). Collection method: clinical testing. Allele origin: germline.
Comment: In summary, the available evidence is currently insufficient to determine the role of this variant in disease. Therefore, it has been classified as a Variant of Uncertain Significance. Algorithms developed to predict the effect of missense changes on protein structure and function are either unavailable or do not agree on the potential impact of this missense change (SIFT: "Not Available"; PolyPhen-2: "Benign"; Align-GVGD: "Not Available"). This sequence change replaces alanine, which is neutral and non-polar, with threonine, which is neutral and polar, at codon 558 of the RPN2 protein (p.Ala558Thr). This variant has not been reported in the literature in individuals affected with RPN2-related conditions. This variant is present in population databases (rs754199328, gnomAD 0.01%).

NM_002951.5(RPN2):c.1672G>A (p.Ala558Thr)

Gene: RPN2 (ribophorin II; plus strand). Cytogenetic location: 20q11.23.
Variant type: single nucleotide variant.
Coding change: c.1672G>A on transcript NM_002951.5 (MANE Select); coding-DNA position 1672, G replaced by A.
Protein change: p.Ala558Thr; replaces alanine 558 with threonine.
Molecular consequence: missense variant. On other transcripts: intron variant (2).
Genome position (GRCh38, 1-based): chr20:37,232,386, G>A. VCF-style: chr20-37232386-G-A. GRCh37 (hg19) VCF-style: chr20-35860789-G-A.
Other names: c.1576G>A, p.Ala526Thr (NM_001135771.3); c.1720G>A, p.Ala574Thr (NM_001324301.2, NM_001324305.2); c.1672G>A, p.Ala558Thr (NM_001324303.2, NM_001324304.2); c.1201G>A, p.Ala401Thr (NM_001324306.2); c.1582-1634G>A (NM_001324299.2, NM_001324302.2); c.1672G>A (NM_002951.3); short protein forms A526T, A574T, A558T, A401T.
Identifiers: ClinVar variation 1968844 (VCV001968844.6), dbSNP rs754199328, ClinGen allele CA9847267.